The following is an entry in ClinVar:

NM_014244.5(ADAMTS2):c.1523C>A (p.Thr508Asn)

Gene: ADAMTS2 (ADAM metallopeptidase with thrombospondin type 1 motif 2; minus strand). Cytogenetic location: 5q35.3.
Variant type: single nucleotide variant.
Coding change: c.1523C>A on transcript NM_014244.5 (MANE Select); coding-DNA position 1523, C replaced by A.
Protein change: p.Thr508Asn; replaces threonine 508 with asparagine.
Molecular consequence: missense variant.
Genome position (GRCh38, 1-based): chr5:179,152,248, G>T on the plus strand (C>A on the coding strand, the complement: ADAMTS2 is on the minus strand). VCF-style: chr5-179152248-G-T. GRCh37 (hg19) VCF-style: chr5-178579249-G-T.
Other names: c.1523C>A, p.Thr508Asn (NM_021599.4); short protein forms T508N.
Identifiers: ClinVar variation 1426077 (VCV001426077.8), dbSNP rs1174952034, ClinGen allele CA362431401.

ClinVar aggregate classification (germline): Uncertain significance (1 of 4 stars; one submission).

Conditions:
Ehlers-Danlos syndrome, dermatosparaxis type. Also called: EDS VIIC; Ehlers-Danlos syndrome, type VII, autosomal recessive; Dermatosparaxis. Identifiers: Orphanet 1901, MedGen C2700425, MONDO:0009161, OMIM 225410.

Allele frequency attached by ClinVar (database versions not stated): gnomAD exomes below 0.00001; TOPMed below 0.00001; gnomAD 0.00001.
gnomAD v4.1: 4 of 1,613,836 alleles (0.00025%); highest among the groups gnomAD compares: Non-Finnish European, 0.00034%; no homozygotes.

Submission:

Labcorp Genetics (formerly Invitae), Labcorp
Classification: Uncertain significance for Ehlers-Danlos syndrome, dermatosparaxis type. Last evaluated: 2020-12-19. Review status: criteria provided, single submitter. Criteria: Invitae Variant Classification Sherloc (09022015). Collection method: clinical testing. Allele origin: germline.
Comment: This sequence change replaces threonine with asparagine at codon 508 of the ADAMTS2 protein (p.Thr508Asn). The threonine residue is highly conserved and there is a small physicochemical difference between threonine and asparagine. This variant is not present in population databases (ExAC no frequency). This variant has not been reported in the literature in individuals with ADAMTS2-related conditions. Algorithms developed to predict the effect of missense changes on protein structure and function (SIFT, PolyPhen-2, Align-GVGD) all suggest that this variant is likely to be disruptive, but these predictions have not been confirmed by published functional studies and their clinical significance is uncertain. In summary, the available evidence is currently insufficient to determine the role of this variant in disease. Therefore, it has been classified as a Variant of Uncertain Significance.